The following is an entry in ClinVar:

NM_000426.4(LAMA2):c.1782+2T>G

Gene: LAMA2 (laminin subunit alpha 2; plus strand). Cytogenetic location: 6q22.33.
Variant type: single nucleotide variant.
Coding change: c.1782+2T>G on transcript NM_000426.4 (MANE Select); the canonical splice donor site of the intron after coding-DNA position 1782, T replaced by G.
Molecular consequence: splice donor variant.
Genome position (GRCh38, 1-based): chr6:129,192,855, T>G. VCF-style: chr6-129192855-T-G. GRCh37 (hg19) VCF-style: chr6-129514000-T-G.
Other names: c.1782+2T>G (NM_001079823.2).
Identifiers: ClinVar variation 4292878 (VCV004292878.1).

ClinVar aggregate classification (germline): Pathogenic (1 of 4 stars; one submission).

Conditions:
Merosin deficient congenital muscular dystrophy (MDC1A). Also called: Congenital merosin-deficient muscular dystrophy 1A; Congenital Muscular Dystrophy Type 1A (MDC1A). Identifiers: Orphanet 258, MedGen C1263858, MONDO:0011925, OMIM 607855.

Submission:

3billion
Classification: Pathogenic for Merosin deficient congenital muscular dystrophy. Last evaluated: 2024-10-31. Review status: criteria provided, single submitter. Criteria: ACMG Guidelines, 2015. Collection method: clinical testing. Allele origin: germline. Affected: yes.
Comment: The variant is not observed in the gnomAD v4.1.0 dataset. Predicted Consequence/Location: Canonical splice site: predicted to alter splicing and result in a loss or disruption of normal protein function. Multiple pathogenic loss-of-function variants are reported downstream of the variant. In silico tools predict the variant to alter splicing and produce an abnormal transcript [SpliceAI: 1.00 (spliceogenicity >=0.2, non-spliceogenicity <0.1)]. The variant has been previously reported as de novo in a similarly affected individual (PMID: 29487616). The variant has been reported to be associated with LAMA2 related disorder (PMID: 29487616). Therefore, this variant is classified as Pathogenic according to the recommendation of ACMG/AMP guideline.

Literature cited by the submitters: PubMed 29487616.